The following is an entry in ClinVar:

ClinVar aggregate classification (germline): Uncertain significance. Review status: criteria provided, multiple submitters, no conflicts (2 of 4 stars). 3 submissions from 3 submitters: Uncertain significance (3). Last evaluated 2025-10-23.

Conditions:
Microcephaly, normal intelligence and immunodeficiency (NBS). Also called: Nijmegen breakage syndrome; Microcephaly with normal intelligence immunodeficiency and lymphoreticular malignancies; Nonsyndromal microcephaly autosomal recessive with normal intelligence; Seemanova syndrome 2; Immunodeficiency, microcephaly with normal intelligence; Ataxia telangiectasia variant V1. Identifiers: Orphanet 647, MedGen C0398791, MONDO:0009623, OMIM 251260.
Hereditary cancer-predisposing syndrome. Also called: Hereditary Cancer Syndrome; Neoplastic Syndromes, Hereditary; Hereditary neoplastic syndrome; Tumor predisposition. Identifiers: Orphanet 140162, MedGen C0027672, MeSH D009386, MONDO:0015356.
Aplastic anemia. Identifiers: Orphanet 182040, Orphanet 88, MedGen C0002874, MONDO:0015909, OMIM 609135, HP:0001915.

gnomAD v4.1: 2 of 1,612,990 alleles (0.00012%); highest among the groups gnomAD compares: Non-Finnish European, 0.00017%; no homozygotes.

Submissions (3):

Ambry Genetics
Classification: Uncertain significance for Hereditary cancer-predisposing syndrome. Last evaluated: 2025-10-23. Review status: criteria provided, single submitter. Criteria: Ambry Variant Classification Scheme 2023. Collection method: clinical testing. Allele origin: germline.
Comment: The p.Q291P variant (also known as c.872A>C), located in coding exon 7 of the NBN gene, results from an A to C substitution at nucleotide position 872. The glutamine at codon 291 is replaced by proline, an amino acid with similar properties. This amino acid position is poorly conserved in available vertebrate species. In addition, this alteration is predicted to be tolerated by in silico analysis. Since supporting evidence is limited at this time, the clinical significance of this alteration remains unclear.

Labcorp Genetics (formerly Invitae), Labcorp
Classification: Uncertain significance for Microcephaly, normal intelligence and immunodeficiency. Last evaluated: 2025-03-20. Review status: criteria provided, single submitter. Criteria: Invitae Variant Classification Sherloc (09022015). Collection method: clinical testing. Allele origin: germline.
Comment: This sequence change replaces glutamine, which is neutral and polar, with proline, which is neutral and non-polar, at codon 291 of the NBN protein (p.Gln291Pro). This variant is not present in population databases (gnomAD no frequency). This variant has not been reported in the literature in individuals affected with NBN-related conditions. ClinVar contains an entry for this variant (Variation ID: 822686). An algorithm developed to predict the effect of missense changes on protein structure and function (PolyPhen-2) suggests that this variant is likely to be tolerated. In summary, the available evidence is currently insufficient to determine the role of this variant in disease. Therefore, it has been classified as a Variant of Uncertain Significance.

Baylor Genetics
Classification: Uncertain significance for Aplastic anemia. Last evaluated: 2024-02-08. Review status: criteria provided, single submitter. Criteria: ACMG Guidelines, 2015. Collection method: clinical testing. Allele origin: unknown.

NM_002485.5(NBN):c.872A>C (p.Gln291Pro)

Gene: NBN (nibrin; minus strand). Cytogenetic location: 8q21.3.
Variant type: single nucleotide variant.
Coding change: c.872A>C on transcript NM_002485.5 (MANE Select); coding-DNA position 872, A replaced by C.
Protein change: p.Gln291Pro; replaces glutamine 291 with proline.
Molecular consequence: missense variant.
Genome position (GRCh38, 1-based): chr8:89,970,388, T>G on the plus strand (A>C on the coding strand, the complement: NBN is on the minus strand). VCF-style: chr8-89970388-T-G. GRCh37 (hg19) VCF-style: chr8-90982616-T-G.
Other names: c.626A>C, p.Gln209Pro (NM_001024688.3); short protein forms Q291P, Q209P.
Identifiers: ClinVar variation 822686 (VCV000822686.7), dbSNP rs587778547, ClinGen allele CA371658284.